The following is an entry in ClinVar:

ClinVar aggregate classification (germline): Likely pathogenic (1 of 4 stars; one submission).

gnomAD v4.1: 1 of 1,614,092 alleles (0.000062%); highest among the groups gnomAD compares: Non-Finnish European, 0.000085%; no homozygotes.

Submission:

Labcorp Genetics (formerly Invitae), Labcorp
Classification: Likely pathogenic. Last evaluated: 2025-03-27. Review status: criteria provided, single submitter. Criteria: Invitae Variant Classification Sherloc (09022015). Collection method: clinical testing. Allele origin: germline.
Comment: This sequence change affects a donor splice site in intron 12 of the ADAMTS17 gene. RNA analysis indicates that disruption of this splice site induces altered splicing and may result in an absent or altered protein product. This variant is not present in population databases (gnomAD no frequency). Disruption of this splice site has been observed in individual(s) with clinical features consistent with Weill-Marchesani-like syndrome (PMID: 19836009). Studies have shown that disruption of this splice site results in skipping of exon 12, and produces a non-functional protein and/or introduces a premature termination codon (PMID: 19836009). In summary, the currently available evidence indicates that the variant is pathogenic, but additional data are needed to prove that conclusively. Therefore, this variant has been classified as Likely Pathogenic.

Literature cited by the submitters: PubMed 19836009.

NM_139057.4(ADAMTS17):c.1721+1G>T

Genes: ADAMTS17 (ADAM metallopeptidase with thrombospondin type 1 motif 17; minus strand), LOC130058037 (ATAC-STARR-seq lymphoblastoid active region 10166; plus strand). Cytogenetic location: 15q26.3.
Variant type: single nucleotide variant.
Coding change: c.1721+1G>T on transcript NM_139057.4 (MANE Select); the canonical splice donor site of the intron after coding-DNA position 1721, G replaced by T.
Molecular consequence: splice donor variant.
Genome position (GRCh38, 1-based): chr15:100,132,006, C>A on the plus strand (G>T on the coding strand, the complement: ADAMTS17 is on the minus strand). VCF-style: chr15-100132006-C-A. GRCh37 (hg19) VCF-style: chr15-100672211-C-A.
Identifiers: ClinVar variation 4716214 (VCV004716214.1).